The following is an entry in ClinVar:

ClinVar aggregate classification (germline): Pathogenic/Likely pathogenic. Review status: criteria provided, multiple submitters, no conflicts (2 of 4 stars). 7 submissions from 7 submitters: Pathogenic (1); Likely pathogenic (6). Last evaluated 2026-07-06.

Conditions:
SYNE4-related disorder. Also called: SYNE4-related condition.
Rare genetic deafness. Identifiers: Orphanet 96210, MedGen C5680250.
Autosomal recessive nonsyndromic hearing loss 76. Also called: Deafness, autosomal recessive 76. Identifiers: Orphanet 90636, MedGen C3147083, MONDO:0014237, OMIM 615540.

Allele frequency attached by ClinVar (database versions not stated): gnomAD exomes 0.00003; TOPMed 0.00003; ExAC 0.00004; gnomAD 0.00004.
gnomAD v4.1: 52 of 1,609,464 alleles (0.0032%); highest among the groups gnomAD compares: Non-Finnish European, 0.004%; no homozygotes.

Submissions (7):

PreventionGenetics, part of Exact Sciences
Classification: Likely pathogenic for SYNE4-related condition. Last evaluated: 2026-07-06. Review status: criteria provided, single submitter. Criteria: ACMG Guidelines, 2015. Collection method: clinical testing. Allele origin: germline.
Comment: The SYNE4 c.559C>T variant is predicted to result in premature protein termination (p.Arg187*). To our knowledge, this variant has not been reported in the literature. This variant is reported in 0.011% of alleles in individuals of East Asian descent in gnomAD. Nonsense variants in SYNE4 are expected to be pathogenic. This variant is interpreted as likely pathogenic.

GeneDx
Classification: Likely pathogenic. Last evaluated: 2025-12-03. Review status: criteria provided, single submitter. Criteria: GeneDx Variant Classification Process June 2021. Collection method: clinical testing. Allele origin: germline. Affected: yes.
Comment: Observed in the heterozygous state in a family with autosomal dominant hearing loss who had a disease-causing variant in the TBC1D24 gene (PMID: 33281559); Nonsense variant predicted to result in protein truncation or nonsense mediated decay in a gene for which loss of function is a known mechanism of disease; This variant is associated with the following publications: (PMID: 33281559)

Blueprint Genetics
Classification: Likely pathogenic for SYNE4-related disorders. Last evaluated: 2024-10-11. Review status: criteria provided, single submitter. Criteria: ACMG Guidelines, 2015. Collection method: clinical testing. Allele origin: germline. Affected: yes. Observed: 5 variant alleles.

Fulgent Genetics
Classification: Likely pathogenic for Autosomal recessive nonsyndromic hearing loss 76. Last evaluated: 2024-06-04. Review status: criteria provided, single submitter. Criteria: ACMG Guidelines, 2015. Collection method: clinical testing. Allele origin: germline.

Labcorp Genetics (formerly Invitae), Labcorp
Classification: Pathogenic. Last evaluated: 2024-03-08. Review status: criteria provided, single submitter. Criteria: Invitae Variant Classification Sherloc (09022015). Collection method: clinical testing. Allele origin: germline.
Comment: This sequence change creates a premature translational stop signal (p.Arg187*) in the SYNE4 gene. It is expected to result in an absent or disrupted protein product. Loss-of-function variants in SYNE4 are known to be pathogenic (PMID: 23348741, 28958982). This variant is present in population databases (rs750797779, gnomAD 0.01%). This variant has not been reported in the literature in individuals affected with SYNE4-related conditions. ClinVar contains an entry for this variant (Variation ID: 228293). For these reasons, this variant has been classified as Pathogenic.

Department of Pathology and Laboratory Medicine, Sinai Health System
Classification: Likely pathogenic for Autosomal recessive nonsyndromic hearing loss 76. Last evaluated: 2022-08-02. Review status: criteria provided, single submitter. Criteria: ACMG Guidelines, 2015. Collection method: research. Allele origin: germline.

Laboratory for Molecular Medicine, Mass General Brigham Personalized Medicine
Classification: Likely pathogenic for Rare genetic deafness. Last evaluated: 2015-11-24. Review status: criteria provided, single submitter. Criteria: LMM Criteria. Collection method: clinical testing. Allele origin: germline. Observed: 1 variant allele.
Comment: The p.Arg187X variant in SYNE4 has not been previously reported in individuals w ith hearing loss, but has been identified in 1/3426 of Finnish chromosomes by th e Exome Aggregation Consortium (ExAC). Although this variant has been seen in the general population, its frequency is low enoug h to be consistent with a recessive carrier frequency. This nonsense variant lea ds to a premature termination codon at position 187, which is predicted to lead to a truncated or absent protein. Loss of function of the SYNE4 gene has been as sociated with autosomal recessive hearing loss, based on a report describing two probands with hearing loss who had a homozygous frameshift variant in SYNE4, wh ich segregated in 4 affected family members, and a knock-out mouse model that al so displayed hearing loss (Horn 2013). In summary, although additional studies a re required to fully establish the association between loss of function variants in SYNE4 and autosomal recessive sensorineural hearing loss, based on the avail able data the p.Arg187X variant is likely pathogenic.

Literature cited by the submitters: PubMed 23348741 (cited by Labcorp Genetics (formerly Invitae), Labcorp); PubMed 28958982 (cited by Labcorp Genetics (formerly Invitae), Labcorp).

NM_001039876.3(SYNE4):c.559C>T (p.Arg187Ter)

Gene: SYNE4 (spectrin repeat containing nuclear envelope family member 4; minus strand). Cytogenetic location: 19q13.12.
Variant type: single nucleotide variant.
Coding change: c.559C>T on transcript NM_001039876.3 (MANE Select); coding-DNA position 559, C replaced by T.
Protein change: p.Arg187Ter; replaces arginine 187 with a stop codon.
Molecular consequence: nonsense. On other transcripts: intron variant (1).
Genome position (GRCh38, 1-based): chr19:36,006,809, G>A on the plus strand (C>T on the coding strand, the complement: SYNE4 is on the minus strand). VCF-style: chr19-36006809-G-A. GRCh37 (hg19) VCF-style: chr19-36497711-G-A.
Other names: c.280-138C>T (NM_001297735.3); short protein forms R187*.
Identifiers: ClinVar variation 228293 (VCV000228293.16), dbSNP rs750797779, ClinGen allele CA9393906.